The following is an entry in ClinVar:

NM_001025603.2(RFX5):c.1109G>A (p.Arg370Lys)

Gene: RFX5 (regulatory factor X5; minus strand). Cytogenetic location: 1q21.3.
Variant type: single nucleotide variant.
Coding change: c.1109G>A on transcript NM_001025603.2 (MANE Select); coding-DNA position 1109, G replaced by A.
Protein change: p.Arg370Lys; replaces arginine 370 with lysine.
Molecular consequence: missense variant.
Genome position (GRCh38, 1-based): chr1:151,342,928, C>T on the plus strand (G>A on the coding strand, the complement: RFX5 is on the minus strand). VCF-style: chr1-151342928-C-T. GRCh37 (hg19) VCF-style: chr1-151315404-C-T.
Other names: c.1109G>A, p.Arg370Lys (NM_000449.4, NM_001379412.1, NM_001379413.1 and 5 more transcripts); c.989G>A, p.Arg330Lys (NM_001379419.1, NM_001379420.1); short protein forms R330K, R370K.
Identifiers: ClinVar variation 937852 (VCV000937852.9), dbSNP rs1402328710, ClinGen allele CA341929568.

ClinVar aggregate classification (germline): Uncertain significance. Review status: criteria provided, multiple submitters, no conflicts (2 of 4 stars). 2 submissions from 2 submitters: Uncertain significance (2). Last evaluated 2025-04-02.

Conditions:
MHC class II deficiency. Also called: Bare lymphocyte syndrome 2; BLS, TYPE II. Identifiers: Orphanet 572, MedGen C5447452, MONDO:0008855.

Allele frequency attached by ClinVar (database versions not stated): TOPMed 0.00002; gnomAD exomes below 0.00001.
gnomAD v4.1: 2 of 1,614,150 alleles (0.00012%); highest among the groups gnomAD compares: Non-Finnish European, 0.00017%; no homozygotes.

Submissions (2):

Ambry Genetics
Classification: Uncertain significance. Last evaluated: 2025-04-02. Review status: criteria provided, single submitter. Criteria: Ambry Variant Classification Scheme 2023. Collection method: clinical testing. Allele origin: germline.

Labcorp Genetics (formerly Invitae), Labcorp
Classification: Uncertain significance for MHC class II deficiency. Last evaluated: 2025-01-06. Review status: criteria provided, single submitter. Criteria: Invitae Variant Classification Sherloc (09022015). Collection method: clinical testing. Allele origin: germline.
Comment: This sequence change replaces arginine, which is basic and polar, with lysine, which is basic and polar, at codon 370 of the RFX5 protein (p.Arg370Lys). This variant is present in population databases (no rsID available, gnomAD 0.0009%). This variant has not been reported in the literature in individuals affected with RFX5-related conditions. ClinVar contains an entry for this variant (Variation ID: 937852). An algorithm developed to predict the effect of missense changes on protein structure and function (PolyPhen-2) suggests that this variant¬†is likely to be tolerated. In summary, the available evidence is currently insufficient to determine the role of this variant in disease. Therefore, it has been classified as a Variant of Uncertain Significance.